The following is an entry in ClinVar:

ClinVar aggregate classification (germline): Benign/Likely benign. Review status: criteria provided, multiple submitters, no conflicts (2 of 4 stars). 3 submissions from 3 submitters: Benign (1); Likely benign (2). Last evaluated 2024-11-05.

Allele frequency attached by ClinVar (database versions not stated): gnomAD exomes 0.00021 and 0.00057; ExAC 0.00078; ESP Exome Variant Server 0.00185; gnomAD 0.00226 and 0.00237; TOPMed 0.00230; 1000 Genomes Project 0.00339; 1000 Genomes Project 30x 0.00375.
gnomAD v4.1: 659 of 1,613,564 alleles (0.041%); highest among the groups gnomAD compares: African/African-American, 0.81%; 2 homozygotes.

Submissions (3):

Blueprint Genetics
Classification: Likely benign. Last evaluated: 2024-11-05. Review status: criteria provided, single submitter. Criteria: ACMG Guidelines, 2015. Collection method: clinical testing. Allele origin: germline.

Labcorp Genetics (formerly Invitae), Labcorp
Classification: Likely benign. Last evaluated: 2023-11-27. Review status: criteria provided, single submitter. Criteria: Invitae Variant Classification Sherloc (09022015). Collection method: clinical testing. Allele origin: germline.

GeneDx
Classification: Benign. Last evaluated: 2021-06-21. Review status: criteria provided, single submitter. Criteria: GeneDx Variant Classification Process June 2021. Collection method: clinical testing. Allele origin: germline. Affected: yes.
Comment: This variant is associated with the following publications: (PMID: 27535533)

NM_016343.4(CENPF):c.4289C>G (p.Ser1430Cys)

Gene: CENPF (centromere protein F; plus strand). Cytogenetic location: 1q41.
Variant type: single nucleotide variant.
Coding change: c.4289C>G on transcript NM_016343.4 (MANE Select); coding-DNA position 4289, C replaced by G.
Protein change: p.Ser1430Cys; replaces serine 1430 with cysteine.
Molecular consequence: missense variant.
Genome position (GRCh38, 1-based): chr1:214,642,627, C>G. VCF-style: chr1-214642627-C-G. GRCh37 (hg19) VCF-style: chr1-214815970-C-G.
Other names: short protein forms S1430C.
Identifiers: ClinVar variation 787224 (VCV000787224.13), dbSNP rs76231205, ClinGen allele CA1390564.